The following is an entry in ClinVar:

NM_000089.4(COL1A2):c.389G>A (p.Gly130Asp)

Gene: COL1A2 (collagen type I alpha 2 chain; plus strand). Cytogenetic location: 7q21.3.
Variant type: single nucleotide variant.
Coding change: c.389G>A on transcript NM_000089.4 (MANE Select); coding-DNA position 389, G replaced by A.
Protein change: p.Gly130Asp; replaces glycine 130 with aspartic acid.
Molecular consequence: missense variant.
Genome position (GRCh38, 1-based): chr7:94,404,849, G>A. VCF-style: chr7-94404849-G-A. GRCh37 (hg19) VCF-style: chr7-94034161-G-A.
Other names: short protein forms G130D.
Identifiers: ClinVar variation 456836 (VCV000456836.21), dbSNP rs72656360, ClinGen allele CA162914426.

ClinVar aggregate classification (germline): Pathogenic/Likely pathogenic. Review status: criteria provided, multiple submitters, no conflicts (2 of 4 stars). 5 submissions from 5 submitters: Pathogenic (4); Likely pathogenic (1). Last evaluated 2025-12-14.

Conditions:
COL1A2-related disorder. Also called: COL1A2-related condition; COL1A2-Related Disorders.
Osteogenesis imperfecta type I (OI1). Also called: Lobstein's Disease; Classic Non-deforming Osteogenesis Imperfecta with Blue Sclerae; Osteogenesis imperfecta type 1; OI, TYPE I; OSTEOGENESIS IMPERFECTA TARDA; OSTEOGENESIS IMPERFECTA WITH BLUE SCLERAE. Identifiers: Orphanet 216796, Orphanet 666, MedGen C0023931, MONDO:0008146, OMIM 166200. Disease mechanism: loss of function.
Ehlers-Danlos syndrome, classic type, 1 (EDSCL1). Also called: Ehlers-Danlos syndrome, type 1; Ehlers-Danlos Syndrome, Classic Type, COL5A1-Related; EDS I; EHLERS-DANLOS SYNDROME, GRAVIS TYPE; EHLERS-DANLOS SYNDROME, SEVERE CLASSIC TYPE. Identifiers: MedGen C0268335, MONDO:0019567, OMIM 130000.

Allele frequency attached by ClinVar (database versions not stated): gnomAD 0.00001; TOPMed 0.00002.
gnomAD v4.1: 3 of 1,613,884 alleles (0.00019%); highest among the groups gnomAD compares: Admixed American, 0.0033%; no homozygotes.

Submissions (5):

Labcorp Genetics (formerly Invitae), Labcorp
Classification: Pathogenic for Osteogenesis imperfecta type I; Ehlers-Danlos syndrome, classic type, 1. Last evaluated: 2025-12-14. Review status: criteria provided, single submitter. Criteria: Invitae Variant Classification Sherloc (09022015). Collection method: clinical testing. Allele origin: germline.
Comment: This sequence change replaces glycine, which is neutral and non-polar, with aspartic acid, which is acidic and polar, at codon 130 of the COL1A2 protein (p.Gly130Asp). This variant is not present in population databases (gnomAD no frequency). This missense change has been observed in individuals with clinical features consistent with autosomal dominant osteogenesis imperfecta (PMID: 17078022, 24342908; internal data). It has also been observed to segregate with disease in related individuals. ClinVar contains an entry for this variant (Variation ID: 456836). Invitae Evidence Modeling of protein sequence and biophysical properties (such as structural, functional, and spatial information, amino acid conservation, physicochemical variation, residue mobility, and thermodynamic stability) indicates that this missense variant is expected to disrupt COL1A2 protein function with a positive predictive value of 95%. This variant disrupts the triple helix domain of COL1A2. Glycine residues within the Gly-Xaa-Yaa repeats of the triple helix domain are required for the structure and stability of fibrillar collagens (PMID: 7695699, 8218237, 19344236). In COL1A2, variants affecting these glycine residues are significantly enriched in individuals with disease (PMID: 9016532, 17078022) compared to the general population (ExAC). For these reasons, this variant has been classified as Pathogenic.

GeneDx
Classification: Pathogenic. Last evaluated: 2024-03-13. Review status: criteria provided, single submitter. Criteria: GeneDx Variant Classification Process June 2021. Collection method: clinical testing. Allele origin: germline. Affected: yes.
Comment: Identified in patients with osteogenesis imperfecta referred for genetic testing at GeneDx and in published literature (PMID: 17078022); Occurs in the triple helical domain and replaces a glycine in a canonical Gly-X-Y repeat; missense substitution of a canonical glycine residue is expected to disrupt normal protein folding and function, and this is an established mechanism of disease (PMID: 34007986); Not observed in large population cohorts (gnomAD); In silico analysis supports that this missense variant has a deleterious effect on protein structure/function; This variant is associated with the following publications: (PMID: 25525159, 24342908, 35163361, 17078022, 34007986)

Revvity Omics, Revvity
Classification: Pathogenic. Last evaluated: 2021-06-03. Review status: criteria provided, single submitter. Criteria: ACMG Guidelines, 2015. Collection method: clinical testing. Allele origin: germline.

Blueprint Genetics
Classification: Likely pathogenic for COL1A2-related disorders. Last evaluated: 2020-11-09. Review status: criteria provided, single submitter. Criteria: ACMG Guidelines, 2015. Collection method: clinical testing. Allele origin: germline. Affected: yes. Observed: 1 variant allele.

Athena Diagnostics
Classification: Pathogenic. Last evaluated: 2019-08-07. Review status: criteria provided, single submitter. Criteria: Athena Diagnostics Criteria. Collection method: clinical testing. Allele origin: germline.
Comment: The variant disrupts a glycine residue in the canonical Gly-X-Y repeats of the triple helix domain, which are required for stability and structure of this protein. Therefore it is expected to severely affect the function of the protein. Found in at least one symptomatic patient, and not found in general population data. Predicted to have a damaging effect on the protein. One other pathogenic or likely pathogenic variant affects the same amino acid.

Literature cited by the submitters: PubMed 17078022 (cited by Labcorp Genetics (formerly Invitae), Labcorp); PubMed 24342908 (cited by Labcorp Genetics (formerly Invitae), Labcorp); PubMed 7695699 (cited by Labcorp Genetics (formerly Invitae), Labcorp); PubMed 8218237 (cited by Labcorp Genetics (formerly Invitae), Labcorp); PubMed 19344236 (cited by Labcorp Genetics (formerly Invitae), Labcorp); PubMed 9016532 (cited by Labcorp Genetics (formerly Invitae), Labcorp).